The following is an entry in ClinVar:

ClinVar aggregate classification (germline): Uncertain significance (1 of 4 stars; one submission).

Conditions:
Immunodeficiency 51 (IMD51). Also called: CANDIDIASIS, FAMILIAL, 5. Identifiers: Orphanet 1334, MedGen C4310803, MONDO:0013500, OMIM 613953.

Submission:

Labcorp Genetics (formerly Invitae), Labcorp
Classification: Uncertain significance for Immunodeficiency 51. Last evaluated: 2023-12-11. Review status: criteria provided, single submitter. Criteria: Invitae Variant Classification Sherloc (09022015). Collection method: clinical testing. Allele origin: germline.
Comment: This sequence change replaces methionine, which is neutral and non-polar, with arginine, which is basic and polar, at codon 773 of the IL17RA protein (p.Met773Arg). This variant is not present in population databases (gnomAD no frequency). This variant has not been reported in the literature in individuals affected with IL17RA-related conditions. ClinVar contains an entry for this variant (Variation ID: 2113997). An algorithm developed to predict the effect of missense changes on protein structure and function (PolyPhen-2) suggests that this variant is likely to be tolerated. In summary, the available evidence is currently insufficient to determine the role of this variant in disease. Therefore, it has been classified as a Variant of Uncertain Significance.

NM_014339.7(IL17RA):c.2318T>G (p.Met773Arg)

Gene: IL17RA (interleukin 17 receptor A; plus strand). Cytogenetic location: 22q11.1.
Variant type: single nucleotide variant.
Coding change: c.2318T>G on transcript NM_014339.7 (MANE Select); coding-DNA position 2318, T replaced by G.
Protein change: p.Met773Arg; replaces methionine 773 with arginine.
Molecular consequence: missense variant.
Genome position (GRCh38, 1-based): chr22:17,109,537, T>G. VCF-style: chr22-17109537-T-G. GRCh37 (hg19) VCF-style: chr22-17590427-T-G.
Other names: c.2216T>G, p.Met739Arg (NM_001289905.2); short protein forms M773R, M739R.
Identifiers: ClinVar variation 2113997 (VCV002113997.4), dbSNP rs577326347, ClinGen allele CA410221793.